The following is an entry in ClinVar:

ClinVar aggregate classification (germline): Pathogenic/Likely pathogenic. Review status: criteria provided, multiple submitters, no conflicts (2 of 4 stars). 13 submissions from 13 submitters: Pathogenic (11); Likely pathogenic (1). 1 of the submissions does not count toward it. Last evaluated 2026-07-09.

Conditions:
RP1-related disorder. Also called: RP1-related condition.
Retinal dystrophy. Also called: Inherited retinal dystrophy. Identifiers: Orphanet 71862, MedGen C0854723, MeSH D058499, MONDO:0019118, HP:0000556.
Retinitis pigmentosa (RP). Identifiers: Orphanet 791, MedGen C0035334, MeSH D012174, MONDO:0019200, OMIM 268000. Inheritance: Autosomal dominant, autosomal recessive and X linked inheritance.
Retinitis pigmentosa 1 (RP1). Identifiers: Orphanet 791, MedGen C0220701, MONDO:0008377, OMIM 180100.

Allele frequency attached by ClinVar (database versions not stated): gnomAD exomes 0.00002 and 0.00004; ExAC 0.00005; gnomAD 0.00005; TOPMed 0.00005; ESP Exome Variant Server 0.00008; 1000 Genomes Project 30x 0.00016; 1000 Genomes Project 0.00020.
gnomAD v4.1: 38 of 1,614,080 alleles (0.0024%); highest among the groups gnomAD compares: African/African-American, 0.0067%; no homozygotes.

Submissions (13):

PreventionGenetics, part of Exact Sciences
Classification: Pathogenic for RP1-related condition. Last evaluated: 2026-07-09. Review status: criteria provided, single submitter. Criteria: ACMG Guidelines, 2015. Collection method: clinical testing. Allele origin: germline.
Comment: The RP1 c.1186C>T variant is predicted to result in premature protein termination (p.Arg396*). This variant has been reported in the homozygous state in one individual who presented with retinitis pigmentosa; the heterozygous carriers in this family were reported as unaffected (Bocquet et al. 2013. PubMed ID: 24339724). This variant is present in 0.012% of alleles in individuals of African descent in gnomAD. Nonsense variants in this region of RP1 are an established mechanism of autosomal recessive disease. This variant is interpreted as pathogenic for autosomal recessive disease.

Labcorp Genetics (formerly Invitae), Labcorp
Classification: Pathogenic. Last evaluated: 2025-10-09. Review status: criteria provided, single submitter. Criteria: Invitae Variant Classification Sherloc (09022015). Collection method: clinical testing. Allele origin: germline.
Comment: This sequence change creates a premature translational stop signal (p.Arg396*) in the RP1 gene. While this is not anticipated to result in nonsense mediated decay, it is expected to disrupt the last 1761 amino acid(s) of the RP1 protein. This variant is present in population databases (rs201493928, gnomAD 0.008%). This premature translational stop signal has been observed in individual(s) with autosomal recessive retinitis pigmentosa (PMID: 24339724; internal data). In at least one individual the data is consistent with being in trans (on the opposite chromosome) from a pathogenic variant. ClinVar contains an entry for this variant (Variation ID: 143134). This variant disrupts the C-terminus of the RP1 protein. Many variants that disrupt this region have been reported in individuals with either autosomal dominant or autosomal recessive retinitis pigmentosa (PMID: 11527933, 19933189, 29425069, 30027431, 33681214). Therefore, variants that disrupt this region are expected to be disease-causing. For these reasons, this variant has been classified as Pathogenic.

SingHealth Duke-NUS Institute of Precision Medicine
Classification: Pathogenic for Retinitis pigmentosa 1. Last evaluated: 2025-02-05. Review status: criteria provided, single submitter. Criteria: PRISM ACMG Classification Criteria. Collection method: clinical testing. Allele origin: germline. Affected: yes.
Comment: Variant is predicted to cause LOF and removes >80% of the protein; LOF is a known disease mechanism for the protein (PVS1). Homozygous allele count in gnomAD exomes and genomes are less than 0 (PM2). Variant has been observed to be in trans with other pathogenic variants (PM3, PMID: 30280194;29625443)

Department of Human Genetics, Hannover Medical School
Classification: Likely pathogenic for Retinitis pigmentosa 1. Last evaluated: 2024-09-25. Review status: criteria provided, single submitter. Criteria: ACMG Guidelines, 2015. Collection method: clinical testing. Allele origin: germline. Affected: yes.

Institute of Medical Genetics and Applied Genomics, University Hospital Tübingen
Classification: Pathogenic for Retinitis pigmentosa 1. Last evaluated: 2024-07-01. Review status: criteria provided, single submitter. Criteria: ACMG Guidelines, 2015. Collection method: clinical testing. Allele origin: germline. Inheritance: Autosomal recessive inheritance. Affected: yes.

GeneDx
Classification: Pathogenic. Last evaluated: 2024-03-25. Review status: criteria provided, single submitter. Criteria: GeneDx Variant Classification Process June 2021. Collection method: clinical testing. Allele origin: germline. Affected: yes.
Comment: Nonsense variant predicted to result in protein truncation, as the last 1761 amino acids are lost, and other loss-of-function variants have been reported downstream in HGMD; This variant is associated with the following publications: (PMID: 24339724, 32005865, 28157192, 27307693, 34426522, 31589614, 31964843, 34906470, 36819107, 36284460)

Blueprint Genetics
Classification: Pathogenic for RP1-related disorders. Last evaluated: 2023-10-24. Review status: criteria provided, single submitter. Criteria: ACMG Guidelines, 2015. Collection method: clinical testing. Allele origin: germline. Affected: yes. Observed: 5 variant alleles.

Dept Of Ophthalmology, Nagoya University
Classification: Pathogenic for Retinal dystrophy. Last evaluated: 2023-10-01. Review status: criteria provided, single submitter. Criteria: Submitter's publication. Collection method: research. Allele origin: germline. Affected: yes.

CeGaT Center for Human Genetics Tuebingen
Classification: Pathogenic. Last evaluated: 2022-01-01. Review status: criteria provided, single submitter. Criteria: CeGaT Center For Human Genetics Tuebingen Variant Classification Criteria Version 2. Collection method: clinical testing. Allele origin: germline. Affected: yes. Observed: 1 variant allele.

Ocular Genomics Institute, Massachusetts Eye and Ear
Classification: Pathogenic for Retinitis pigmentosa 1. Last evaluated: 2021-04-08. Review status: criteria provided, single submitter. Criteria: ACMG Guidelines, 2015. Collection method: research. Allele origin: germline. Affected: yes.
Comment: Through a review of available evidence we were able to apply the following criteria: PVS1, PM2, PM1. Based on this evidence we have classified this variant as Pathogenic.

Institute of Human Genetics, Univ. Regensburg, Univ. Regensburg
Classification: Pathogenic for Retinal dystrophy. Last evaluated: 2020-01-01. Review status: criteria provided, single submitter. Criteria: ACMG Guidelines, 2015. Collection method: clinical testing. Allele origin: germline. Affected: yes.

Mendelics
Classification: Pathogenic for Retinitis pigmentosa. Last evaluated: 2019-05-28. Review status: criteria provided, single submitter. Criteria: Mendelics Assertion Criteria 2017. Collection method: clinical testing. Allele origin: unknown.

Department of Ophthalmology and Visual Sciences Kyoto University
Classification: Likely pathogenic for Retinitis pigmentosa. Review status: no assertion criteria provided. Collection method: not provided. Allele origin: unknown. Not counted in ClinVar's aggregate classification.
ClinVar note: Converted during submission from probable-pathogenic to Likely pathogenic.

Literature cited by the submitters: PubMed 24339724 (cited by 3 submitters); PubMed 11527933 (cited by Labcorp Genetics (formerly Invitae), Labcorp and Ocular Genomics Institute, Massachusetts Eye and Ear); PubMed 19933189 (cited by Labcorp Genetics (formerly Invitae), Labcorp and Ocular Genomics Institute, Massachusetts Eye and Ear); PubMed 29425069 (cited by Labcorp Genetics (formerly Invitae), Labcorp and Ocular Genomics Institute, Massachusetts Eye and Ear); PubMed 30027431 (cited by Labcorp Genetics (formerly Invitae), Labcorp and Ocular Genomics Institute, Massachusetts Eye and Ear); PubMed 33681214 (cited by Labcorp Genetics (formerly Invitae), Labcorp); PubMed 30280194 (cited by SingHealth Duke-NUS Institute of Precision Medicine); PubMed 29625443 (cited by SingHealth Duke-NUS Institute of Precision Medicine); PubMed 31589614 (cited by Institute of Human Genetics, Univ. Regensburg, Univ. Regensburg); PubMed 31964843 (cited by Institute of Human Genetics, Univ. Regensburg, Univ. Regensburg); PubMed 32005865 (cited by Institute of Human Genetics, Univ. Regensburg, Univ. Regensburg); PubMed 34426522 (cited by Institute of Human Genetics, Univ. Regensburg, Univ. Regensburg); PubMed 36284460 (cited by Institute of Human Genetics, Univ. Regensburg, Univ. Regensburg); PubMed 36819107 (cited by Institute of Human Genetics, Univ. Regensburg, Univ. Regensburg).

NM_006269.2(RP1):c.1186C>T (p.Arg396Ter)

Gene: RP1 (RP1 axonemal microtubule associated; plus strand). Cytogenetic location: 8q12.1.
Variant type: single nucleotide variant.
Coding change: c.1186C>T on transcript NM_006269.2 (MANE Select); coding-DNA position 1186, C replaced by T.
Protein change: p.Arg396Ter; replaces arginine 396 with a stop codon.
Molecular consequence: nonsense.
Genome position (GRCh38, 1-based): chr8:54,625,068, C>T. VCF-style: chr8-54625068-C-T. GRCh37 (hg19) VCF-style: chr8-55537628-C-T.
Other names: short protein forms R396*.
Identifiers: ClinVar variation 143134 (VCV000143134.50), dbSNP rs201493928, ClinGen allele CA270091.